The following is an entry in ClinVar:

ClinVar aggregate classification (germline): Uncertain significance (1 of 4 stars; one submission).

Conditions:
Alacrima, achalasia, and impaired intellectual development syndrome. Also called: Alacrima, achalasia, and mental retardation syndrome; Alacrima, achalasia, and intellectual disability syndrome. Identifiers: Orphanet 869, MedGen C4706563, MONDO:0014219, OMIM 615510.

Allele frequency attached by ClinVar (database versions not stated): ExAC 0.00001.
gnomAD v4.1: 11 of 1,587,574 alleles (0.00069%); highest among the groups gnomAD compares: Admixed American, 0.005%; no homozygotes.

Submission:

Labcorp Genetics (formerly Invitae), Labcorp
Classification: Uncertain significance for Alacrima, achalasia, and impaired intellectual development syndrome. Last evaluated: 2022-06-28. Review status: criteria provided, single submitter. Criteria: Invitae Variant Classification Sherloc (09022015). Collection method: clinical testing. Allele origin: germline.
Comment: This sequence change creates a premature translational stop signal (p.Arg390*) in the GMPPA gene. While this is not anticipated to result in nonsense mediated decay, it is expected to disrupt the last 31 amino acid(s) of the GMPPA protein. This variant disrupts a region of the GMPPA protein in which other variant(s) (p.Asn401Thr) have been observed in individuals with GMPPA-related conditions (PMID: 24035193). This suggests that this is a clinically significant region of the protein, and that variants that disrupt it are likely to be disease-causing. Experimental studies and prediction algorithms are not available or were not evaluated, and the functional significance of this variant is currently unknown. This variant has not been reported in the literature in individuals affected with GMPPA-related conditions. This variant is present in population databases (rs748973371, gnomAD 0.006%). In summary, the available evidence is currently insufficient to determine the role of this variant in disease. Therefore, it has been classified as a Variant of Uncertain Significance.

Literature cited by the submitters: PubMed 24035193.

NM_013335.4(GMPPA):c.1168C>T (p.Arg390Ter)

Genes: ASIC4-AS1 (ASIC4 antisense RNA 1; minus strand), GMPPA (GDP-mannose pyrophosphorylase A; plus strand). Cytogenetic location: 2q35.
Variant type: single nucleotide variant.
Coding change: c.1168C>T on transcript NM_013335.4 (MANE Select); coding-DNA position 1168, C replaced by T.
Protein change: p.Arg390Ter; replaces arginine 390 with a stop codon.
Molecular consequence: nonsense.
Genome position (GRCh38, 1-based): chr2:219,506,703, C>T. VCF-style: chr2-219506703-C-T. GRCh37 (hg19) VCF-style: chr2-220371425-C-T.
Other names: c.1168C>T, p.Arg390Ter (NM_001374294.1, NM_001374295.1, NM_205847.3); short protein forms R390*.
Identifiers: ClinVar variation 1941356 (VCV001941356.5), dbSNP rs748973371, ClinGen allele CA2128460.